The following is an entry in ClinVar:

ClinVar aggregate classification (germline): Likely pathogenic (1 of 4 stars; one submission).

Conditions:
Hemolytic uremic syndrome, atypical, susceptibility to, 1. Also called: AHUS, SUSCEPTIBILITY TO, 1. Identifiers: Orphanet 2134, Orphanet 90038, MedGen C2749604, MONDO:0009335, OMIM 235400. Disease mechanism: Other.

Submission:

Clinical Research Development Center, Iran University of Medical Sciences (IUMS)
Classification: Likely pathogenic for Hemolytic uremic syndrome, atypical, susceptibility to, 1. Last evaluated: 2026-06-28. Review status: criteria provided, single submitter. Criteria: ACMG Guidelines, 2015. Collection method: clinical testing. Allele origin: germline. Affected: yes.
Comment: The c.1336+2T>G variant in CFH gene was absent from large population studies (PM2). It is a null variant in a gene where loss of function is a known mechanism of disease; so, it results in an absent or disrupted protein product (PVS1).

Literature cited by the submitters: PubMed 33784485.

NM_000186.4(CFH):c.1336+2T>G

Gene: CFH (complement factor H; plus strand). Cytogenetic location: 1q31.3.
Variant type: single nucleotide variant.
Coding change: c.1336+2T>G on transcript NM_000186.4 (MANE Select); the canonical splice donor site of the intron after coding-DNA position 1336, T replaced by G.
Molecular consequence: splice donor variant.
Genome position (GRCh38, 1-based): chr1:196,690,241, T>G. VCF-style: chr1-196690241-T-G. GRCh37 (hg19) VCF-style: chr1-196659371-T-G.
Other names: c.1336+2T>G (NM_001014975.3).
Identifiers: ClinVar variation 4857338 (VCV004857338.1).
Genomic context (GRCh38, chr1:196,690,241, plus strand): 5'-GACCACAGTTACATGTATGGAGAATGGCTGGTCTCCTACTCCCAGATGCATCCGTGTCAG[T>G]AAGTACACTACTCTGAAATCCTAGCATGTTCATGTCTTTCTAAGTAACATAGATGACATT-3'